The following is an entry in ClinVar:

ClinVar aggregate classification (germline): Conflicting classifications of pathogenicity. Review status: criteria provided, conflicting classifications (1 of 4 stars). 2 submissions from 2 submitters: Uncertain significance (1); Likely benign (1). Last evaluated 2025-05-14.

Conditions:
Charcot-Marie-Tooth disease axonal type 2O. Also called: CHARCOT-MARIE-TOOTH NEUROPATHY, AXONAL, TYPE 2O; CHARCOT-MARIE-TOOTH DISEASE, AXONAL, AUTOSOMAL DOMINANT, TYPE 2O; Charcot-Marie-Tooth disease, axonal, type 20; Charcot-Marie-Tooth Neuropathy Type 2O. Identifiers: Orphanet 284232, MedGen C3280220, MONDO:0013644, OMIM 614228.
Inborn genetic diseases. Identifiers: MedGen C0950123, MeSH D030342.

Allele frequency attached by ClinVar (database versions not stated): gnomAD exomes 0.00002 and 0.00008; TOPMed 0.00002; ExAC 0.00006; gnomAD 0.00006; 1000 Genomes Project 30x 0.00016; 1000 Genomes Project 0.00020.
gnomAD v4.1: 42 of 1,614,080 alleles (0.0026%); highest among the groups gnomAD compares: Admixed American, 0.005%; no homozygotes.

Submissions (2):

Labcorp Genetics (formerly Invitae), Labcorp
Classification: Likely benign for Charcot-Marie-Tooth disease axonal type 2O. Last evaluated: 2025-05-14. Review status: criteria provided, single submitter. Criteria: Invitae Variant Classification Sherloc (09022015). Collection method: clinical testing. Allele origin: germline.

Ambry Genetics
Classification: Uncertain significance for Inborn genetic diseases. Last evaluated: 2016-10-08. Review status: criteria provided, single submitter. Criteria: Ambry Variant Classification Scheme 2023. Collection method: clinical testing. Allele origin: germline.
Comment: The p.P208L variant (also known as c.623C>T), located in coding exon 4 of the DYNC1H1 gene, results from a C to T substitution at nucleotide position 623. The proline at codon 208 is replaced by leucine, an amino acid with similar properties. This variant was not reported in population based cohorts in the following databases: Database of Single Nucleotide Polymorphisms (dbSNP), NHLBI Exome Sequencing Project (ESP), and 1000 Genomes Project. In the ESP, this variant was not observed in 6503 samples (13006 alleles) with coverage at this position. This amino acid position is not well conserved in available vertebrate species. In addition, this alteration is predicted to be tolerated by in silico analysis. Since supporting evidence is limited at this time, the clinical significance of this variant remains unclear.

NM_001376.5(DYNC1H1):c.623C>T (p.Pro208Leu)

Gene: DYNC1H1 (dynein cytoplasmic 1 heavy chain 1; plus strand). Cytogenetic location: 14q32.31.
Variant type: single nucleotide variant.
Coding change: c.623C>T on transcript NM_001376.5 (MANE Select); coding-DNA position 623, C replaced by T.
Protein change: p.Pro208Leu; replaces proline 208 with leucine.
Molecular consequence: missense variant.
Genome position (GRCh38, 1-based): chr14:101,979,823, C>T. VCF-style: chr14-101979823-C-T. GRCh37 (hg19) VCF-style: chr14-102446160-C-T.
Other names: short protein forms P208L.
Identifiers: ClinVar variation 589944 (VCV000589944.13), dbSNP rs556010695, ClinGen allele CA7351557.